The following is an entry in ClinVar:

ClinVar aggregate classification (germline): Benign. Review status: criteria provided, multiple submitters, no conflicts (2 of 4 stars). 3 submissions from 3 submitters: Benign (2). 1 of the submissions does not count toward it. Last evaluated 2026-02-03.

Conditions:
FBN3-related disorder. Also called: FBN3-related condition.

Allele frequency attached by ClinVar (database versions not stated): 1000 Genomes Project 0.05411; TOPMed 0.07019; gnomAD 0.07717 and 0.07646; gnomAD exomes 0.10134 and 0.08683; 1000 Genomes Project 30x 0.05465; ESP Exome Variant Server 0.07681; ExAC 0.09394.
gnomAD v4.1: 157,155 of 1,591,188 alleles (9.9%); highest among the groups gnomAD compares: South Asian, 12%; 8,633 homozygotes.

Submissions (17):

Labcorp Genetics (formerly Invitae), Labcorp
Classification: Benign. Last evaluated: 2026-02-03. Review status: criteria provided, single submitter. Criteria: Invitae Variant Classification Sherloc (09022015). Collection method: clinical testing. Allele origin: germline.

Breakthrough Genomics
Classification: Benign. Review status: criteria provided, single submitter. Criteria: ACMG Guidelines, 2015. Collection method: not provided. Allele origin: germline. Inheritance: Unknown mechanism. Affected: yes.

PreventionGenetics, part of Exact Sciences
Classification: Benign for FBN3-related condition. Last evaluated: 2019-10-28. Review status: no assertion criteria provided. Collection method: clinical testing. Allele origin: germline. Not counted in ClinVar's aggregate classification.
Comment: This variant is classified as benign based on ACMG/AMP sequence variant interpretation guidelines (Richards et al. 2015 PMID: 25741868, with internal and published modifications).

Dr. Peter K. Rogan Lab, Western University
No classification provided (evidence only). Condition: Malignant lymphoma, large B-cell, diffuse. Review status: no classification provided. Collection method: in vitro. Allele origin: not applicable. Functional consequence: retained intron. Not counted in ClinVar's aggregate classification.

Dr. Peter K. Rogan Lab, Western University
No classification provided (evidence only). Condition: Thymoma. Review status: no classification provided. Collection method: in vitro. Allele origin: not applicable. Functional consequence: skipped exon. Not counted in ClinVar's aggregate classification.

Dr. Peter K. Rogan Lab, Western University
No classification provided (evidence only). Condition: Thymoma. Review status: no classification provided. Collection method: in vitro. Allele origin: not applicable. Functional consequence: skipped exon, retained intron. Not counted in ClinVar's aggregate classification.

Dr. Peter K. Rogan Lab, Western University
No classification provided (evidence only). Condition: Thymoma. Review status: no classification provided. Collection method: in vitro. Allele origin: not applicable. Functional consequence: skipped exon, retained intron. Not counted in ClinVar's aggregate classification.

Dr. Peter K. Rogan Lab, Western University
No classification provided (evidence only). Condition: Thymoma. Review status: no classification provided. Collection method: in vitro. Allele origin: not applicable. Functional consequence: skipped exon, retained intron. Not counted in ClinVar's aggregate classification.

Dr. Peter K. Rogan Lab, Western University
No classification provided (evidence only). Condition: Thymoma. Review status: no classification provided. Collection method: in vitro. Allele origin: not applicable. Functional consequence: skipped exon. Not counted in ClinVar's aggregate classification.

Dr. Peter K. Rogan Lab, Western University
No classification provided (evidence only). Condition: Thymoma. Review status: no classification provided. Collection method: in vitro. Allele origin: not applicable. Functional consequence: skipped exon. Not counted in ClinVar's aggregate classification.

Dr. Peter K. Rogan Lab, Western University
No classification provided (evidence only). Condition: Thymoma. Review status: no classification provided. Collection method: in vitro. Allele origin: not applicable. Functional consequence: skipped exon. Not counted in ClinVar's aggregate classification.

Dr. Peter K. Rogan Lab, Western University
No classification provided (evidence only). Condition: Thymoma. Review status: no classification provided. Collection method: in vitro. Allele origin: not applicable. Functional consequence: skipped exon. Not counted in ClinVar's aggregate classification.

Dr. Peter K. Rogan Lab, Western University
No classification provided (evidence only). Condition: Thymoma. Review status: no classification provided. Collection method: in vitro. Allele origin: not applicable. Functional consequence: skipped exon. Not counted in ClinVar's aggregate classification.

Dr. Peter K. Rogan Lab, Western University
No classification provided (evidence only). Condition: Thymoma. Review status: no classification provided. Collection method: in vitro. Allele origin: not applicable. Functional consequence: skipped exon, retained intron. Not counted in ClinVar's aggregate classification.

Dr. Peter K. Rogan Lab, Western University
No classification provided (evidence only). Condition: Uterine carcinosarcoma. Review status: no classification provided. Collection method: in vitro. Allele origin: not applicable. Functional consequence: skipped exon, retained intron. Not counted in ClinVar's aggregate classification.

Dr. Peter K. Rogan Lab, Western University
No classification provided (evidence only). Condition: Uterine carcinosarcoma. Review status: no classification provided. Collection method: in vitro. Allele origin: not applicable. Functional consequence: skipped exon. Not counted in ClinVar's aggregate classification.

Dr. Peter K. Rogan Lab, Western University
No classification provided (evidence only). Condition: Uterine carcinosarcoma. Review status: no classification provided. Collection method: in vitro. Allele origin: not applicable. Functional consequence: retained intron. Not counted in ClinVar's aggregate classification.

NM_032447.5(FBN3):c.4456+4A>G

Gene: FBN3 (fibrillin 3; minus strand). Cytogenetic location: 19p13.2.
Variant type: single nucleotide variant.
Coding change: c.4456+4A>G on transcript NM_032447.5 (MANE Select); 4 bases into the intron after coding-DNA position 4456, A replaced by G.
Molecular consequence: intron variant.
Genome position (GRCh38, 1-based): chr19:8,109,627, T>C on the plus strand (A>G on the coding strand, the complement: FBN3 is on the minus strand). VCF-style: chr19-8109627-T-C. GRCh37 (hg19) VCF-style: chr19-8174511-T-C.
Other names: c.4456+4A>G (NM_001321431.1, NM_001321431.2).
Identifiers: ClinVar variation 1629776 (VCV001629776.12), dbSNP rs76556785, ClinGen allele CA9152053.
Genomic context (GRCh38, chr19:8,109,627, plus strand): 5'-TGGGGCAATCCCACCCACCTCTGCTGACCCCAGAACCCTGATCTGGAGTTGAGCATGGAC[T>C]CACCCACGCAGCCCACTCCGCTGGGGTTCAGCTCAAAATCCTGGGGGCAGCTGCAGAGGT-3'